The following is an entry in ClinVar:

ClinVar aggregate classification (germline): Likely benign. Review status: criteria provided, multiple submitters, no conflicts (2 of 4 stars). 3 submissions from 3 submitters: Likely benign (3). Last evaluated 2026-05-28.

Conditions:
TTN-related disorder. Also called: TTN-related condition; TTN-related disease; TTN-related disorders.
Autosomal recessive limb-girdle muscular dystrophy type 2J (LGMDR10). Also called: Limb-girdle muscular dystrophy, type 2J; MUSCULAR DYSTROPHY, LIMB-GIRDLE, AUTOSOMAL RECESSIVE 10. Identifiers: Orphanet 140922, MedGen C1837342, MONDO:0012127, OMIM 608807.
Dilated cardiomyopathy 1G (CMD1G). Identifiers: Orphanet 154, MedGen C1858763, MONDO:0011400, OMIM 604145.

Allele frequency attached by ClinVar (database versions not stated): TOPMed below 0.00001; gnomAD exomes 0.00001.
gnomAD v4.1: 14 of 1,613,218 alleles (0.00087%); highest among the groups gnomAD compares: Middle Eastern, 0.017%; no homozygotes.

Submissions (3):

PreventionGenetics, part of Exact Sciences
Classification: Likely benign for TTN-related condition. Last evaluated: 2026-05-28. Review status: criteria provided, single submitter. Criteria: ACMG Guidelines, 2015. Collection method: clinical testing. Allele origin: germline.
Comment: This variant is classified as likely benign based on ACMG/AMP sequence variant interpretation guidelines (Richards et al. 2015 PMID: 25741868, with internal and published modifications).

Labcorp Genetics (formerly Invitae), Labcorp
Classification: Likely benign for Dilated cardiomyopathy 1G; Autosomal recessive limb-girdle muscular dystrophy type 2J. Last evaluated: 2023-06-02. Review status: criteria provided, single submitter. Criteria: Invitae Variant Classification Sherloc (09022015). Collection method: clinical testing. Allele origin: germline.

GeneDx
Classification: Likely benign. Last evaluated: 2017-11-14. Review status: criteria provided, single submitter. Criteria: GeneDx Variant Classification (06012015). Collection method: clinical testing. Allele origin: germline. Affected: yes.
Comment: This variant is considered likely benign or benign based on one or more of the following criteria: it is a conservative change, it occurs at a poorly conserved position in the protein, it is predicted to be benign by multiple in silico algorithms, and/or has population frequency not consistent with disease.

NM_001267550.2(TTN):c.22134C>T (p.Ala7378=)

Gene: TTN (titin; minus strand). Cytogenetic location: 2q31.2.
Variant type: single nucleotide variant.
Coding change: c.22134C>T on transcript NM_001267550.2 (MANE Select); coding-DNA position 22134, C replaced by T.
Protein change: p.Ala7378=; no amino-acid change (alanine 7378 retained).
Molecular consequence: synonymous variant. On other transcripts: intron variant (3).
Genome position (GRCh38, 1-based): chr2:178,722,765, G>A on the plus strand (C>T on the coding strand, the complement: TTN is on the minus strand). VCF-style: chr2-178722765-G-A. GRCh37 (hg19) VCF-style: chr2-179587492-G-A.
Other names: c.21183C>T, p.Ala7061= (NM_001256850.1); c.18402C>T, p.Ala6134= (NM_133378.4); c.13282+15317C>T (NM_003319.4); c.13858+15317C>T (NM_133437.4); c.13657+15317C>T (NM_133432.3).
Identifiers: ClinVar variation 516276 (VCV000516276.5), dbSNP rs879172660, ClinGen allele CA60973665.